The following is an entry in ClinVar:

NM_058216.3(RAD51C):c.959A>G (p.Lys320Arg)

Gene: RAD51C (RAD51 paralog C; plus strand). Cytogenetic location: 17q22.
Variant type: single nucleotide variant.
Coding change: c.959A>G on transcript NM_058216.3 (MANE Select); coding-DNA position 959, A replaced by G.
Protein change: p.Lys320Arg; replaces lysine 320 with arginine.
Molecular consequence: missense variant. On other transcripts: non-coding transcript variant (1).
Genome position (GRCh38, 1-based): chr17:58,724,094, A>G. VCF-style: chr17-58724094-A-G. GRCh37 (hg19) VCF-style: chr17-56801455-A-G.
Other names: p.K320R:AAG>AGG; short protein forms K320R.
Identifiers: ClinVar variation 128213 (VCV000128213.12), dbSNP rs587780260, ClinGen allele CA288630.

ClinVar aggregate classification (germline): Uncertain significance. Review status: criteria provided, multiple submitters, no conflicts (2 of 4 stars). 3 submissions from 3 submitters: Uncertain significance (3). Last evaluated 2023-04-04.

Conditions:
Fanconi anemia complementation group O. Also called: RAD51C-Related Fanconi Anemia. Identifiers: Orphanet 84, MedGen C3150653, MONDO:0013248, OMIM 613390.

Submissions (3):

Women's Health and Genetics/Laboratory Corporation of America, LabCorp
Classification: Uncertain significance. Last evaluated: 2023-04-04. Review status: criteria provided, single submitter. Criteria: LabCorp Variant Classification Summary - May 2015. Collection method: clinical testing. Allele origin: germline.

Labcorp Genetics (formerly Invitae), Labcorp
Classification: Uncertain significance for Fanconi anemia complementation group O. Last evaluated: 2022-01-26. Review status: criteria provided, single submitter. Criteria: Invitae Variant Classification Sherloc (09022015). Collection method: clinical testing. Allele origin: germline.
Comment: This sequence change replaces lysine, which is basic and polar, with arginine, which is basic and polar, at codon 320 of the RAD51C protein (p.Lys320Arg). In summary, the available evidence is currently insufficient to determine the role of this variant in disease. Therefore, it has been classified as a Variant of Uncertain Significance. Algorithms developed to predict the effect of sequence changes on RNA splicing suggest that this variant may create or strengthen a splice site. Algorithms developed to predict the effect of missense changes on protein structure and function (SIFT, PolyPhen-2, Align-GVGD) all suggest that this variant is likely to be tolerated. ClinVar contains an entry for this variant (Variation ID: 128213). This variant has not been reported in the literature in individuals affected with RAD51C-related conditions. This variant is not present in population databases (gnomAD no frequency).

GeneDx
Classification: Uncertain significance. Last evaluated: 2014-02-10. Review status: criteria provided, single submitter. Criteria: GeneDx Variant Classification (06012015). Collection method: clinical testing. Allele origin: germline. Affected: yes.
Comment: This variant is denoted RAD51C c.959A>G at the cDNA level, p.Lys320Arg (K320R) at the protein level, and results in the change of a Lysine to an Arginine (AAG>AGG). This variant has not, to our knowledge, been published in the literature as pathogenic or benign. RAD51C Lys320Arg was not observed in approximately 6,500 individuals of European and African American ancestry in the NHLBI Exome Sequencing Project, indicating it is not a common benign variant in these populations. This variant is a conservative substitution of one positive polar amino acid for another, altering a position that is moderately conserved throughout evolution and is not located in a known functional domain (Uniprot). In silico analyses predict this variant to have a benign effect on protein structure and function. Based on the currently available information, we consider RAD51C Lys320Arg to be a variant of uncertain significance. Furthermore, RAD51C has been only recently described in association with cancer predisposition and the risks are not well understood.